The following is an entry in ClinVar:

ClinVar aggregate classification (germline): Uncertain significance (1 of 4 stars; one submission).

Allele frequency attached by ClinVar (database versions not stated): TOPMed 0.00001.

Submission:

Labcorp Genetics (formerly Invitae), Labcorp
Classification: Uncertain significance. Last evaluated: 2023-10-24. Review status: criteria provided, single submitter. Criteria: Invitae Variant Classification Sherloc (09022015). Collection method: clinical testing. Allele origin: germline.
Comment: This sequence change replaces leucine, which is neutral and non-polar, with phenylalanine, which is neutral and non-polar, at codon 762 of the CTNNB1 protein (p.Leu762Phe). This variant is not present in population databases (gnomAD no frequency). This variant has not been reported in the literature in individuals affected with CTNNB1-related conditions. An algorithm developed to predict the effect of missense changes on protein structure and function (PolyPhen-2) suggests that this variant is likely to be tolerated. In summary, the available evidence is currently insufficient to determine the role of this variant in disease. Therefore, it has been classified as a Variant of Uncertain Significance.

NM_001904.4(CTNNB1):c.2284C>T (p.Leu762Phe)

Gene: CTNNB1 (catenin beta 1; plus strand). Cytogenetic location: 3p22.1.
Variant type: single nucleotide variant.
Coding change: c.2284C>T on transcript NM_001904.4 (MANE Select); coding-DNA position 2284, C replaced by T.
Protein change: p.Leu762Phe; replaces leucine 762 with phenylalanine.
Molecular consequence: missense variant.
Genome position (GRCh38, 1-based): chr3:41,239,280, C>T. VCF-style: chr3-41239280-C-T. GRCh37 (hg19) VCF-style: chr3-41280771-C-T.
Other names: c.2284C>T, p.Leu762Phe (NM_001098209.2, NM_001098210.2); c.2263C>T, p.Leu755Phe (NM_001330729.2); short protein forms L762F, L755F.
Identifiers: ClinVar variation 2976483 (VCV002976483.3), dbSNP rs2078516669, ClinGen allele CA352237574.